The following is an entry in ClinVar:

ClinVar aggregate classification (germline): Uncertain significance. Review status: criteria provided, multiple submitters, no conflicts (2 of 4 stars). 2 submissions from 2 submitters: Uncertain significance (2). Last evaluated 2026-02-24.

Conditions:
Inborn genetic diseases. Identifiers: MedGen C0950123, MeSH D030342.

Submissions (2):

GeneDx
Classification: Uncertain significance. Last evaluated: 2026-02-24. Review status: criteria provided, single submitter. Criteria: GeneDx Variant Classification Process June 2021. Collection method: clinical testing. Allele origin: germline.
Comment: In silico analysis suggests that this missense variant does not alter protein structure/function; Has not been previously published as pathogenic or benign to our knowledge

Ambry Genetics
Classification: Uncertain significance for Inborn genetic diseases. Last evaluated: 2025-08-01. Review status: criteria provided, single submitter. Criteria: Ambry Variant Classification Scheme 2023. Collection method: clinical testing. Allele origin: germline.

NM_133444.3(ZNF526):c.1825C>A (p.Pro609Thr)

Gene: ZNF526 (zinc finger protein 526; plus strand). Cytogenetic location: 19q13.2.
Variant type: single nucleotide variant.
Coding change: c.1825C>A on transcript NM_133444.3 (MANE Select); coding-DNA position 1825, C replaced by A.
Protein change: p.Pro609Thr; replaces proline 609 with threonine.
Molecular consequence: missense variant.
Genome position (GRCh38, 1-based): chr19:42,226,228, C>A. VCF-style: chr19-42226228-C-A. GRCh37 (hg19) VCF-style: chr19-42730380-C-A.
Other names: c.1825C>A, p.Pro609Thr (NM_001314033.3); short protein forms P609T.
Identifiers: ClinVar variation 4209896 (VCV004209896.2).
Genomic context (GRCh38, chr19:42,226,228, plus strand): 5'-CGACTGCATCAGCGGGTCCATGCCCGAGCTCGGACTTTGACGCTACAGCCTCCCAGATCA[C>A]CATCTCCTGCCCCACCCCCACCTCCAGAGCCTCAACAGACTATCATGTGCACAGAGCTGG-3'
Protein context (NP_597701.1, residues 599-619): RTLTLQPPRS[Pro609Thr]SPAPPPPPEP